The following is an entry in ClinVar:

NM_004453.4(ETFDH):c.806A>T (p.Gln269Leu)

Gene: ETFDH (electron transfer flavoprotein dehydrogenase; plus strand). Cytogenetic location: 4q32.1.
Variant type: single nucleotide variant.
Coding change: c.806A>T on transcript NM_004453.4 (MANE Select); coding-DNA position 806, A replaced by T.
Protein change: p.Gln269Leu; replaces glutamine 269 with leucine.
Molecular consequence: missense variant.
Genome position (GRCh38, 1-based): chr4:158,695,618, A>T. VCF-style: chr4-158695618-A-T. GRCh37 (hg19) VCF-style: chr4-159616770-A-T.
Other names: c.665A>T, p.Gln222Leu (NM_001281737.2); c.623A>T, p.Gln208Leu (NM_001281738.1); short protein forms Q222L, Q269L, Q208L.
Identifiers: ClinVar variation 1481857 (VCV001481857.6), dbSNP rs776320810, ClinGen allele CA3122447.
Genomic context (GRCh38, chr4:158,695,618, plus strand): 5'-ATGGACATCTAGCCAAGCAACTATATAAGAAGTTTGATTTGAGAGCAAATTGTGAACCTC[A>T]AACCTACGGGATTGGACTGAAGGAGGTATCCTGGTTTGTTTCTGTAATTTTAATTTTGAA-3'
Protein context (NP_004444.2, residues 259-279): KFDLRANCEP[Gln269Leu]TYGIGLKELW

ClinVar aggregate classification (germline): Likely pathogenic (1 of 4 stars; one submission).

Conditions:
Multiple acyl-CoA dehydrogenase deficiency (MADD). Also called: Glutaric aciduria, type 2; ETHYLMALONIC-ADIPICACIDURIA; GA II; Glutaric Acidemia type 2; Glutaric acidemia type II; GA 2. Identifiers: Orphanet 26791, MedGen C0268596, MONDO:0009282, OMIM 231680.

Allele frequency attached by ClinVar (database versions not stated): gnomAD exomes below 0.00001; ExAC 0.00001.
gnomAD v4.1: 2 of 1,611,784 alleles (0.00012%); highest among the groups gnomAD compares: Non-Finnish European, 0.00017%; no homozygotes.

Submission:

Labcorp Genetics (formerly Invitae), Labcorp
Classification: Likely pathogenic for Multiple acyl-CoA dehydrogenase deficiency. Last evaluated: 2023-07-03. Review status: criteria provided, single submitter. Criteria: Invitae Variant Classification Sherloc (09022015). Collection method: clinical testing. Allele origin: germline.
Comment: This sequence change replaces glutamine, which is neutral and polar, with leucine, which is neutral and non-polar, at codon 269 of the ETFDH protein (p.Gln269Leu). This variant is present in population databases (rs776320810, gnomAD 0.0009%). This missense change has been observed in individuals with multiple acyl-CoA dehydrogenase deficiency (PMID: 12815589, 17584774). ClinVar contains an entry for this variant (Variation ID: 1481857). Advanced modeling of protein sequence and biophysical properties (such as structural, functional, and spatial information, amino acid conservation, physicochemical variation, residue mobility, and thermodynamic stability) performed at Invitae indicates that this missense variant is expected to disrupt ETFDH protein function. Studies have shown that this missense change alters ETFDH gene expression (PMID: 12815589). This variant disrupts the p.Gln269 amino acid residue in ETFDH. Other variant(s) that disrupt this residue have been observed in individuals with ETFDH-related conditions (PMID: 33383363; Invitae), which suggests that this may be a clinically significant amino acid residue. In summary, the currently available evidence indicates that the variant is pathogenic, but additional data are needed to prove that conclusively. Therefore, this variant has been classified as Likely Pathogenic.

Literature cited by the submitters: PubMed 12815589; PubMed 17584774; PubMed 33383363.